The following is an entry in ClinVar:

NM_000497.4(CYP11B1):c.622_640del (p.Arg208fs)

Genes: CYP11B1 (cytochrome P450 family 11 subfamily B member 1; minus strand), LOC106799833 (CYP11B1 recombination region; plus strand). Cytogenetic location: 8q24.3.
Variant type: Deletion.
Coding change: c.622_640del on transcript NM_000497.4 (MANE Select); coding-DNA positions 622 to 640, 19 bases deleted (CGGCTGGGCCTGGTTGGCC).
Protein change: p.Arg208fs; shifts the reading frame from arginine 208.
Molecular consequence: frameshift variant.
Genome position (GRCh38, 1-based): chr8:142,876,841-142,876,859, GGCCAACCAGGCCCAGCCG deleted on the plus strand (CGGCTGGGCCTGGTTGGCC on the coding strand, the reverse complement: CYP11B1 is on the minus strand). VCF-style (leftmost placement, unchanged base first): chr8-142876840-TGGCCAACCAGGCCCAGCCG-T. GRCh37 (hg19) VCF-style: chr8-143958256-TGGCCAACCAGGCCCAGCCG-T.
Other names: c.622_640del, p.Arg208fs (NM_001026213.1); short protein forms R208fs.
Identifiers: ClinVar variation 5011490 (VCV005011490.1).

ClinVar aggregate classification (germline): Pathogenic (1 of 4 stars; one submission).

Conditions:
Deficiency of steroid 11-beta-monooxygenase (CYP11B1). Also called: ADRENAL HYPERPLASIA, CONGENITAL, DUE TO STEROID 11-BETA-HYDROXYLASE DEFICIENCY; 11-BETA-HYDROXYLASE DEFICIENCY; ADRENAL HYPERPLASIA IV; P450C11B1 DEFICIENCY; STEROID 11-BETA-HYDROXYLASE DEFICIENCY; Congenital adrenal hyperplasia due to 11-beta-hydroxylase deficiency. Identifiers: Orphanet 90795, MedGen C0268292, MONDO:0008729, OMIM 202010. Disease mechanism: loss of function.

Submission:

Myriad Genetics, Inc.
Classification: Pathogenic for Deficiency of steroid 11-beta-monooxygenase. Last evaluated: 2023-08-29. Review status: criteria provided, single submitter. Criteria: Myriad Autosomal Dominant, Autosomal Recessive and X-Linked Classification Criteria (2023). Collection method: clinical testing. Allele origin: unknown.
Comment: NM_000497.3(CYP11B1):c.622_640del19(R208Tfs*8) is expected to be pathogenic in the context of congenital adrenal hyperplasia, CYP11B1-related. This variant is predicted to lead to an abnormal or absent protein product due to the creation of a premature termination codon in CYP11B1, a gene where loss-of-function variants are known to be pathogenic. Please note: this variant was assessed in the context of healthy population screening.